The following is an entry in ClinVar:

NM_012469.4(PRPF6):c.2708G>T (p.Ser903Ile)

Gene: PRPF6 (pre-mRNA processing factor 6; plus strand). Cytogenetic location: 20q13.33.
Variant type: single nucleotide variant.
Coding change: c.2708G>T on transcript NM_012469.4 (MANE Select); coding-DNA position 2708, G replaced by T.
Protein change: p.Ser903Ile; replaces serine 903 with isoleucine.
Molecular consequence: missense variant.
Genome position (GRCh38, 1-based): chr20:64,032,875, G>T. VCF-style: chr20-64032875-G-T. GRCh37 (hg19) VCF-style: chr20-62664228-G-T.
Other names: short protein forms S903I.
Identifiers: ClinVar variation 1022030 (VCV001022030.8), dbSNP rs2059321733, ClinGen allele CA409748025.
Genomic context (GRCh38, chr20:64,032,875, plus strand): 5'-CCTGACGTGCCCTGTGGTCCCCCCAGGAGCAGCAGGAGGAGGTGAGGAAGCGCTGTGAGA[G>T]TGCAGAGCCTCGGCATGGGGAGCTGTGGTGCGCCGTGTCCAAGGACATCGCCAACTGGCA-3'
Protein context (NP_036601.2, residues 893-913): QQEEVRKRCE[Ser903Ile]AEPRHGELWC

ClinVar aggregate classification (germline): Uncertain significance (1 of 4 stars; one submission).

Submission:

Labcorp Genetics (formerly Invitae), Labcorp
Classification: Uncertain significance. Last evaluated: 2020-08-14. Review status: criteria provided, single submitter. Criteria: Invitae Variant Classification Sherloc (09022015). Collection method: clinical testing. Allele origin: germline.
Comment: In summary, the available evidence is currently insufficient to determine the role of this variant in disease. Therefore, it has been classified as a Variant of Uncertain Significance. Algorithms developed to predict the effect of missense changes on protein structure and function are either unavailable or do not agree on the potential impact of this missense change (SIFT: "Deleterious"; PolyPhen-2: "Benign"; Align-GVGD: "Class C0"). This sequence change replaces serine with isoleucine at codon 903 of the PRPF6 protein (p.Ser903Ile). The serine residue is weakly conserved and there is a large physicochemical difference between serine and isoleucine. This variant is not present in population databases (ExAC no frequency). This variant has been observed in individual(s) with retinitis pigmentosa (Invitae).